The following is an entry in ClinVar:

ClinVar aggregate classification (germline): Uncertain significance (1 of 4 stars; one submission).

Conditions:
Inborn genetic diseases. Identifiers: MedGen C0950123, MeSH D030342.

gnomAD v4.1: 1 of 1,613,008 alleles (0.000062%); highest among the groups gnomAD compares: Non-Finnish European, 0.000085%; no homozygotes.

Submission:

Ambry Genetics
Classification: Uncertain significance for Inborn genetic diseases. Last evaluated: 2024-09-26. Review status: criteria provided, single submitter. Criteria: Ambry Variant Classification Scheme 2023. Collection method: clinical testing. Allele origin: germline.
Comment: The p.M472I variant (also known as c.1416G>A), located in coding exon 11 of the BUB1B gene, results from a G to A substitution at nucleotide position 1416. The methionine at codon 472 is replaced by isoleucine, an amino acid with highly similar properties. This amino acid position is conserved. In addition, this alteration is predicted to be tolerated by in silico analysis. Based on the available evidence, the clinical significance of this variant remains unclear.

NM_001211.6(BUB1B):c.1416G>A (p.Met472Ile)

Gene: BUB1B (BUB1 mitotic checkpoint serine/threonine kinase B; plus strand). Cytogenetic location: 15q15.1.
Variant type: single nucleotide variant.
Coding change: c.1416G>A on transcript NM_001211.6 (MANE Select); coding-DNA position 1416, G replaced by A.
Protein change: p.Met472Ile; replaces methionine 472 with isoleucine.
Molecular consequence: missense variant.
Genome position (GRCh38, 1-based): chr15:40,200,258, G>A. VCF-style: chr15-40200258-G-A. GRCh37 (hg19) VCF-style: chr15-40492459-G-A.
Other names: short protein forms M472I.
Identifiers: ClinVar variation 3483206 (VCV003483206.1).
Genomic context (GRCh38, chr15:40,200,258, plus strand): 5'-TTTCTGGATGGGAGGGACATTGATTTTGTTTATTTAATGCAAACAGCAAGAAGAGACGAT[G>A]CCTACAAAGGAGACAACTAAACTGCAAATTGCTTCCGAGTCTCAGAAAATACCAGGAATG-3'
Protein context (NP_001202.5, residues 462-482): ERTGDQQEET[Met472Ile]PTKETTKLQI